The following is an entry in ClinVar:

ClinVar aggregate classification (germline): Uncertain significance. Review status: criteria provided, multiple submitters, no conflicts (2 of 4 stars). 2 submissions from 2 submitters: Uncertain significance (2). Last evaluated 2025-04-17.

Conditions:
Congenital contractural arachnodactyly (CCA). Also called: Arthrogryposis, distal, type 9; BEALS SYNDROME; Beals-Hecht syndrome. Identifiers: Orphanet 115, MedGen C0220668, MONDO:0007363, OMIM 121050.

gnomAD v4.1: 4 of 1,613,620 alleles (0.00025%); highest among the groups gnomAD compares: Non-Finnish European, 0.00034%; no homozygotes.

Submissions (2):

Labcorp Genetics (formerly Invitae), Labcorp
Classification: Uncertain significance for Congenital contractural arachnodactyly. Last evaluated: 2025-04-17. Review status: criteria provided, single submitter. Criteria: Invitae Variant Classification Sherloc (09022015). Collection method: clinical testing. Allele origin: germline.
Comment: This sequence change replaces serine, which is neutral and polar, with cysteine, which is neutral and slightly polar, at codon 2496 of the FBN2 protein (p.Ser2496Cys). This variant is present in population databases (no rsID available, gnomAD 0.0009%). This missense change has been observed in individual(s) with clinical features of FBN2-related conditions (internal data). ClinVar contains an entry for this variant (Variation ID: 3381261). Invitae Evidence Modeling of protein sequence and biophysical properties (such as structural, functional, and spatial information, amino acid conservation, physicochemical variation, residue mobility, and thermodynamic stability) indicates that this missense variant is not expected to disrupt FBN2 protein function with a negative predictive value of 80%. In summary, the available evidence is currently insufficient to determine the role of this variant in disease. Therefore, it has been classified as a Variant of Uncertain Significance.

GeneDx
Classification: Uncertain significance. Last evaluated: 2024-05-24. Review status: criteria provided, single submitter. Criteria: GeneDx Variant Classification Process June 2021. Collection method: clinical testing. Allele origin: germline. Affected: yes.
Comment: Has not been previously published as pathogenic or benign to our knowledge; Not observed at significant frequency in large population cohorts (gnomAD); In silico analysis supports that this missense variant has a deleterious effect on protein structure/function; This variant is associated with the following publications: (PMID: 19006240, 18767143)

NM_001999.4(FBN2):c.7487C>G (p.Ser2496Cys)

Gene: FBN2 (fibrillin 2; minus strand). Cytogenetic location: 5q23.3.
Variant type: single nucleotide variant.
Coding change: c.7487C>G on transcript NM_001999.4 (MANE Select); coding-DNA position 7487, C replaced by G.
Protein change: p.Ser2496Cys; replaces serine 2496 with cysteine.
Molecular consequence: missense variant.
Genome position (GRCh38, 1-based): chr5:128,276,145, G>C on the plus strand (C>G on the coding strand, the complement: FBN2 is on the minus strand). VCF-style: chr5-128276145-G-C. GRCh37 (hg19) VCF-style: chr5-127611837-G-C.
Other names: short protein forms S2496C.
Identifiers: ClinVar variation 3381261 (VCV003381261.2).